The following is an entry in ClinVar:

ClinVar aggregate classification (germline): Likely benign. Review status: criteria provided, multiple submitters, no conflicts (2 of 4 stars). 2 submissions from 2 submitters: Likely benign (2). Last evaluated 2026-01-20.

Conditions:
Bethlem myopathy 1A. Also called: Bethlem myopathy 1; MYOPATHY, BENIGN CONGENITAL, WITH CONTRACTURES; Bethlem Muscular Dystrophy. Identifiers: Orphanet 610, MedGen CN029274, MONDO:0024530, OMIM 158810.

Allele frequency attached by ClinVar (database versions not stated): gnomAD 0.00008; TOPMed 0.00012; 1000 Genomes Project 30x 0.00016; 1000 Genomes Project 0.00020.

Submissions (2):

Labcorp Genetics (formerly Invitae), Labcorp
Classification: Likely benign for Bethlem myopathy 1A. Last evaluated: 2026-01-20. Review status: criteria provided, single submitter. Criteria: Invitae Variant Classification Sherloc (09022015). Collection method: clinical testing. Allele origin: germline.

CeGaT Center for Human Genetics Tuebingen
Classification: Likely benign. Last evaluated: 2025-07-01. Review status: criteria provided, single submitter. Criteria: CeGaT Center For Human Genetics Tuebingen Variant Classification Criteria Version 2. Collection method: clinical testing. Allele origin: germline. Affected: yes. Observed: 1 variant allele.
Comment: COL6A2: BP4, BP7

NM_001849.4(COL6A2):c.2370C>T (p.Ser790=)

Gene: COL6A2 (collagen type VI alpha 2 chain; plus strand). Cytogenetic location: 21q22.3.
Variant type: single nucleotide variant.
Coding change: c.2370C>T on transcript NM_001849.4 (MANE Select); coding-DNA position 2370, C replaced by T.
Protein change: p.Ser790=; no amino-acid change (serine 790 retained).
Molecular consequence: synonymous variant.
Genome position (GRCh38, 1-based): chr21:46,126,185, C>T. VCF-style: chr21-46126185-C-T. GRCh37 (hg19) VCF-style: chr21-47546099-C-T.
Other names: c.2370C>T, p.Ser790= (NM_058174.3, NM_058175.3).
Identifiers: ClinVar variation 703592 (VCV000703592.21), dbSNP rs530866573, ClinGen allele CA10072538.